The following is an entry in ClinVar:

NM_017838.4(NHP2):c.160+4A>G

Gene: NHP2 (NHP2 ribonucleoprotein; minus strand). Cytogenetic location: 5q35.3.
Variant type: single nucleotide variant.
Coding change: c.160+4A>G on transcript NM_017838.4 (MANE Select); 4 bases into the intron after coding-DNA position 160, A replaced by G.
Molecular consequence: intron variant.
Genome position (GRCh38, 1-based): chr5:178,153,654, T>C on the plus strand (A>G on the coding strand, the complement: NHP2 is on the minus strand). VCF-style: chr5-178153654-T-C. GRCh37 (hg19) VCF-style: chr5-177580655-T-C.
Other names: c.160+4A>G (NM_001034833.2, NM_001396110.1).
Identifiers: ClinVar variation 2191234 (VCV002191234.4), dbSNP rs1419452406, ClinGen allele CA564901366.

ClinVar aggregate classification (germline): Uncertain significance (1 of 4 stars; one submission).

Conditions:
Dyskeratosis congenita. Identifiers: Orphanet 1775, MedGen C0265965, MONDO:0015780.

gnomAD v4.1: 5 of 1,613,464 alleles (0.00031%); highest among the groups gnomAD compares: East Asian, 0.0022%; no homozygotes.

Submission:

Labcorp Genetics (formerly Invitae), Labcorp
Classification: Uncertain significance for Dyskeratosis congenita. Last evaluated: 2025-02-26. Review status: criteria provided, single submitter. Criteria: Invitae Variant Classification Sherloc (09022015). Collection method: clinical testing. Allele origin: germline.
Comment: This sequence change falls in intron 1 of the NHP2 gene. It does not directly change the encoded amino acid sequence of the NHP2 protein. It affects a nucleotide within the consensus splice site. This variant is present in population databases (no rsID available, gnomAD 0.006%). This variant has not been reported in the literature in individuals affected with NHP2-related conditions. ClinVar contains an entry for this variant (Variation ID: 2191234). Variants that disrupt the consensus splice site are a relatively common cause of aberrant splicing (PMID: 17576681, 9536098). Algorithms developed to predict the effect of sequence changes on RNA splicing suggest that this variant is not likely to affect RNA splicing. In summary, the available evidence is currently insufficient to determine the role of this variant in disease. Therefore, it has been classified as a Variant of Uncertain Significance.

Literature cited by the submitters: PubMed 17576681; PubMed 9536098.